The following is an entry in ClinVar:

ClinVar aggregate classification (germline): Uncertain significance (1 of 4 stars; one submission).

Conditions:
Primary ciliary dyskinesia. Also called: Ciliary dyskinesia. Identifiers: Orphanet 244, MedGen C0008780, MONDO:0016575, HP:0012265.

Allele frequency attached by ClinVar (database versions not stated): gnomAD exomes below 0.00001.

Submission:

Labcorp Genetics (formerly Invitae), Labcorp
Classification: Uncertain significance for Primary ciliary dyskinesia. Last evaluated: 2018-11-26. Review status: criteria provided, single submitter. Criteria: Invitae Variant Classification Sherloc (09022015). Collection method: clinical testing. Allele origin: germline.
Comment: In summary, the available evidence is currently insufficient to determine the role of this variant in disease. Therefore, it has been classified as a Variant of Uncertain Significance. Algorithms developed to predict the effect of missense changes on protein structure and function output the following: SIFT: "Tolerated"; PolyPhen-2: "Benign"; Align-GVGD: "Class C0". The isoleucine amino acid residue is found in multiple mammalian species, suggesting that this missense change does not adversely affect protein function. These predictions have not been confirmed by published functional studies and their clinical significance is uncertain. This variant has not been reported in the literature in individuals with RPGR-related disease. This variant is not present in population databases (ExAC no frequency). This sequence change replaces methionine with isoleucine at codon 466 of the RPGR protein (p.Met466Ile). The methionine residue is weakly conserved and there is a small physicochemical difference between methionine and isoleucine.

NM_001034853.2(RPGR):c.1398G>A (p.Met466Ile)

Gene: RPGR (retinitis pigmentosa GTPase regulator; minus strand). Cytogenetic location: Xp11.4.
Variant type: single nucleotide variant.
Coding change: c.1398G>A on transcript NM_001034853.2 (MANE Select); coding-DNA position 1398, G replaced by A.
Protein change: p.Met466Ile; replaces methionine 466 with isoleucine.
Molecular consequence: missense variant. On other transcripts: non-coding transcript variant (6).
Genome position (GRCh38, 1-based): chrX:38,297,300, C>T on the plus strand (G>A on the coding strand, the complement: RPGR is on the minus strand). VCF-style: chrX-38297300-C-T. GRCh37 (hg19) VCF-style: chrX-38156553-C-T.
Other names: c.1398G>A, p.Met466Ile (NM_000328.3, NM_001367247.1); c.1395G>A, p.Met465Ile (NM_001367245.1, NM_001367249.1, NM_001367250.1); c.1212G>A, p.Met404Ile (NM_001367246.1, NM_001367251.1); c.1428G>A, p.Met476Ile (NM_001367248.1); short protein forms M404I, M465I, M466I, M476I.
Identifiers: ClinVar variation 643810 (VCV000643810.9), dbSNP rs1237734243, ClinGen allele CA412739368.